The following is an entry in ClinVar:

ClinVar aggregate classification (germline): Uncertain significance (1 of 4 stars; one submission).

Conditions:
Charcot-Marie-Tooth disease axonal type 2O. Also called: CHARCOT-MARIE-TOOTH NEUROPATHY, AXONAL, TYPE 2O; CHARCOT-MARIE-TOOTH DISEASE, AXONAL, AUTOSOMAL DOMINANT, TYPE 2O; Charcot-Marie-Tooth Neuropathy Type 2O; Charcot-Marie-Tooth disease, axonal, type 20. Identifiers: Orphanet 284232, MedGen C3280220, MONDO:0013644, OMIM 614228.

Submission:

Labcorp Genetics (formerly Invitae), Labcorp
Classification: Uncertain significance for Charcot-Marie-Tooth disease axonal type 2O. Last evaluated: 2024-07-01. Review status: criteria provided, single submitter. Criteria: Invitae Variant Classification Sherloc (09022015). Collection method: clinical testing. Allele origin: germline.
Comment: This sequence change replaces proline, which is neutral and non-polar, with histidine, which is basic and polar, at codon 3922 of the DYNC1H1 protein (p.Pro3922His). This variant is not present in population databases (gnomAD no frequency). This variant has not been reported in the literature in individuals affected with DYNC1H1-related conditions. Advanced modeling of protein sequence and biophysical properties (such as structural, functional, and spatial information, amino acid conservation, physicochemical variation, residue mobility, and thermodynamic stability) performed at Invitae indicates that this missense variant is not expected to disrupt DYNC1H1 protein function with a negative predictive value of 95%. In summary, the available evidence is currently insufficient to determine the role of this variant in disease. Therefore, it has been classified as a Variant of Uncertain Significance.

NM_001376.5(DYNC1H1):c.11765C>A (p.Pro3922His)

Gene: DYNC1H1 (dynein cytoplasmic 1 heavy chain 1; plus strand). Cytogenetic location: 14q32.31.
Variant type: single nucleotide variant.
Coding change: c.11765C>A on transcript NM_001376.5 (MANE Select); coding-DNA position 11765, C replaced by A.
Protein change: p.Pro3922His; replaces proline 3922 with histidine.
Molecular consequence: missense variant.
Genome position (GRCh38, 1-based): chr14:102,040,310, C>A. VCF-style: chr14-102040310-C-A. GRCh37 (hg19) VCF-style: chr14-102506647-C-A.
Other names: short protein forms P3922H.
Identifiers: ClinVar variation 3717224 (VCV003717224.2).